The following is an entry in ClinVar:

NM_004304.5(ALK):c.850A>G (p.Arg284Gly)

Gene: ALK (ALK receptor tyrosine kinase; minus strand). Cytogenetic location: 2p23.2.
Variant type: single nucleotide variant.
Coding change: c.850A>G on transcript NM_004304.5 (MANE Select); coding-DNA position 850, A replaced by G.
Protein change: p.Arg284Gly; replaces arginine 284 with glycine.
Molecular consequence: missense variant.
Genome position (GRCh38, 1-based): chr2:29,694,952, T>C on the plus strand (A>G on the coding strand, the complement: ALK is on the minus strand). VCF-style: chr2-29694952-T-C. GRCh37 (hg19) VCF-style: chr2-29917818-T-C.
Other names: c.850A>G (NM_004304.4); short protein forms R284G.
Identifiers: ClinVar variation 1487419 (VCV001487419.9), dbSNP rs1199266892, ClinGen allele CA346587016.

ClinVar aggregate classification (germline): Conflicting classifications of pathogenicity. Review status: criteria provided, conflicting classifications (1 of 4 stars). 2 submissions from 2 submitters: Uncertain significance (1); Likely benign (1). Last evaluated 2025-12-22.

Conditions:
Neuroblastoma, susceptibility to, 3. Also called: ALK-Related Neuroblastic Tumor Susceptibility. Identifiers: Orphanet 635, MedGen C2751681, MONDO:0013083, OMIM 613014.
Hereditary cancer-predisposing syndrome. Also called: Neoplastic Syndromes, Hereditary; Tumor predisposition; Hereditary Cancer Syndrome; Hereditary neoplastic syndrome. Identifiers: Orphanet 140162, MedGen C0027672, MeSH D009386, MONDO:0015356.

Submissions (2):

Ambry Genetics
Classification: Likely benign for Hereditary cancer-predisposing syndrome. Last evaluated: 2025-12-22. Review status: criteria provided, single submitter. Criteria: Ambry Variant Classification Scheme 2023. Collection method: clinical testing. Allele origin: germline.

Labcorp Genetics (formerly Invitae), Labcorp
Classification: Uncertain significance for Neuroblastoma, susceptibility to, 3. Last evaluated: 2021-01-13. Review status: criteria provided, single submitter. Criteria: Invitae Variant Classification Sherloc (09022015). Collection method: clinical testing. Allele origin: germline.
Comment: This sequence change replaces arginine with glycine at codon 284 of the ALK protein (p.Arg284Gly). The arginine residue is weakly conserved and there is a moderate physicochemical difference between arginine and glycine. This variant is not present in population databases (ExAC no frequency). In summary, the available evidence is currently insufficient to determine the role of this variant in disease. Therefore, it has been classified as a Variant of Uncertain Significance. This variant has not been reported in the literature in individuals with ALK-related conditions. Algorithms developed to predict the effect of missense changes on protein structure and function output the following: SIFT: "Tolerated"; PolyPhen-2: "Benign"; Align-GVGD: "Class C0". The glycine amino acid residue is found in multiple mammalian species, suggesting that this missense change does not adversely affect protein function. These predictions have not been confirmed by published functional studies and their clinical significance is uncertain.